The following is an entry in ClinVar:

ClinVar aggregate classification (germline): Uncertain significance. Review status: criteria provided, multiple submitters, no conflicts (2 of 4 stars). 2 submissions from 2 submitters: Uncertain significance (2). Last evaluated 2022-10-24.

Conditions:
RFT1-congenital disorder of glycosylation (CDG1N). Also called: CDG In; Congenital disorder of glycosylation type In; RFT1-CDG. Identifiers: Orphanet 244310, MedGen C2677590, MONDO:0012783, OMIM 612015.

Allele frequency attached by ClinVar (database versions not stated): gnomAD exomes below 0.00001.
gnomAD v4.1: 1 of 1,614,184 alleles (0.000062%); highest among the groups gnomAD compares: Non-Finnish European, 0.000085%; no homozygotes.

Submissions (2):

Labcorp Genetics (formerly Invitae), Labcorp
Classification: Uncertain significance for RFT1-congenital disorder of glycosylation. Last evaluated: 2022-10-24. Review status: criteria provided, single submitter. Criteria: Invitae Variant Classification Sherloc (09022015). Collection method: clinical testing. Allele origin: germline.
Comment: In summary, the available evidence is currently insufficient to determine the role of this variant in disease. Therefore, it has been classified as a Variant of Uncertain Significance. Advanced modeling of protein sequence and biophysical properties (such as structural, functional, and spatial information, amino acid conservation, physicochemical variation, residue mobility, and thermodynamic stability) performed at Invitae indicates that this missense variant is not expected to disrupt RFT1 protein function. ClinVar contains an entry for this variant (Variation ID: 902912). This variant has not been reported in the literature in individuals affected with RFT1-related conditions. This variant is not present in population databases (gnomAD no frequency). This sequence change replaces threonine, which is neutral and polar, with isoleucine, which is neutral and non-polar, at codon 75 of the RFT1 protein (p.Thr75Ile).

Illumina Laboratory Services, Illumina
Classification: Uncertain significance for RFT1-congenital disorder of glycosylation. Last evaluated: 2018-01-13. Review status: criteria provided, single submitter. Criteria: ICSL Variant Classification Criteria 13 December 2019. Collection method: clinical testing. Allele origin: germline.

NM_052859.4(RFT1):c.224C>T (p.Thr75Ile)

Gene: RFT1 (RFT1 glycolipid translocator homolog; minus strand). Cytogenetic location: 3p21.1.
Variant type: single nucleotide variant.
Coding change: c.224C>T on transcript NM_052859.4 (MANE Select); coding-DNA position 224, C replaced by T.
Protein change: p.Thr75Ile; replaces threonine 75 with isoleucine.
Molecular consequence: missense variant.
Genome position (GRCh38, 1-based): chr3:53,123,766, G>A on the plus strand (C>T on the coding strand, the complement: RFT1 is on the minus strand). VCF-style: chr3-53123766-G-A. GRCh37 (hg19) VCF-style: chr3-53157782-G-A.
Other names: short protein forms T75I.
Identifiers: ClinVar variation 902912 (VCV000902912.11), dbSNP rs1702032211, ClinGen allele CA353222606.